The following is an entry in ClinVar:

ClinVar aggregate classification (germline): Pathogenic/Likely pathogenic. Review status: criteria provided, multiple submitters, no conflicts (2 of 4 stars). 8 submissions from 8 submitters: Pathogenic (4); Likely pathogenic (1). 3 of the submissions do not count toward it. Last evaluated 2025-01-27.

Conditions:
Primary hyperoxaluria, type II (HP2). Also called: OXALOSIS II; D-GLYCERATE DEHYDROGENASE DEFICIENCY; GLYCERIC ACIDURIA; GLYOXYLATE REDUCTASE/HYDROXYPYRUVATE REDUCTASE DEFICIENCY; Primary hyperoxaluria type 2. Identifiers: Orphanet 416, Orphanet 93599, MedGen C0268165, MONDO:0009824, OMIM 260000. Disease mechanism: loss of function.

Allele frequency attached by ClinVar (database versions not stated): gnomAD exomes 0.00001; TOPMed 0.00001; gnomAD 0.00002.

Submissions (8):

First Genomix Gene Laboratory, Genetic Diagnostics Department
Classification: Likely pathogenic for Primary hyperoxaluria, type II. Last evaluated: 2025-01-27. Review status: criteria provided, single submitter. Criteria: ACMG Guidelines, 2015. Collection method: clinical testing. Allele origin: germline. Inheritance: Autosomal recessive inheritance. Affected: no. Observed: 1 variant allele.

Victorian Clinical Genetics Services, Murdoch Childrens Research Institute
Classification: Pathogenic for Primary hyperoxaluria, type II. Last evaluated: 2024-09-19. Review status: criteria provided, single submitter. Criteria: ACMG Guidelines, 2015. Collection method: clinical testing. Allele origin: germline. Inheritance: Autosomal dominant inheritance. Affected: yes.
Comment: Based on the classification scheme VCGS_Germline_v1.3.4, this variant is classified as Pathogenic. Following criteria are met: 0102 - Loss of function is a known mechanism of disease in this gene and is associated with hyperoxaluria, primary, type II (MIM#260000). (I) 0106 - This gene is associated with autosomal recessive disease. (I) 0201 - Variant is predicted to cause nonsense-mediated decay (NMD) and loss of protein (premature termination codon is located at least 54 nucleotides upstream of the final exon-exon junction). (SP) 0251 - This variant is heterozygous. (I) 0304 - Variant is present in gnomAD (v3) <0.01 for a recessive condition (3 heterozygotes, 0 homozygotes). (SP) 0701 - Other NMD predicted variants comparable to the one identified in this case have very strong previous evidence for pathogenicity (DECIPHER). (SP) 0801 - This variant has strong previous evidence of pathogenicity in unrelated individuals. This variant has been classified as pathogenic by multiple clinical laboratories in ClinVar. (SP) 1208 - Inheritance information for this variant is not currently available in this individual. (I) Legend: (SP) - Supporting pathogenic, (I) - Information, (SB) - Supporting benign

Labcorp Genetics (formerly Invitae), Labcorp
Classification: Pathogenic. Last evaluated: 2023-12-25. Review status: criteria provided, single submitter. Criteria: Invitae Variant Classification Sherloc (09022015). Collection method: clinical testing. Allele origin: germline.
Comment: This sequence change creates a premature translational stop signal (p.Pro203Argfs*7) in the GRHPR gene. It is expected to result in an absent or disrupted protein product. Loss-of-function variants in GRHPR are known to be pathogenic (PMID: 25644115). This variant is present in population databases (rs180177316, gnomAD 0.02%). This premature translational stop signal has been observed in individuals with primary hyperoxaluria type 2 (PMID: 14635115). ClinVar contains an entry for this variant (Variation ID: 204252). For these reasons, this variant has been classified as Pathogenic.

Fulgent Genetics
Classification: Pathogenic for Primary hyperoxaluria, type II. Last evaluated: 2021-10-28. Review status: criteria provided, single submitter. Criteria: ACMG Guidelines, 2015. Collection method: clinical testing. Allele origin: unknown.

Women's Health and Genetics/Laboratory Corporation of America, LabCorp
Classification: Pathogenic for Primary hyperoxaluria, type II. Last evaluated: 2021-06-17. Review status: criteria provided, single submitter. Criteria: LabCorp Variant Classification Summary - May 2015. Collection method: clinical testing. Allele origin: germline.
Comment: Variant summary: GRHPR c.608_609delCT (p.Pro203ArgfsX7) results in a premature termination codon, predicted to cause a truncation of the encoded protein or absence of the protein due to nonsense mediated decay, which are commonly known mechanisms for disease. The variant was absent in 251272 control chromosomes (gnomAD). c.608_609delCT has been reported in the literature in individuals (in homozygous and compound heterozygous states) affected with Primary Hyperoxaluria Type 2 (example: Bhat _2005, Cregeen _2003) and also has been subsequently cited by others (example: Takayama_2014). These data indicate that the variant is likely to be associated with disease. To our knowledge, no experimental evidence demonstrating an impact on protein function has been reported. Three ClinVar submitters (evolution after 2014) cite the variant as pathogenic. Based on the evidence outlined above, the variant was classified as pathogenic.

Natera, Inc.
Classification: Pathogenic for Primary hyperoxaluria type II. Last evaluated: 2020-09-16. Review status: no assertion criteria provided. Collection method: clinical testing. Allele origin: germline. Not counted in ClinVar's aggregate classification.

Counsyl
Classification: Pathogenic for Primary hyperoxaluria, type II. Last evaluated: 2016-11-07. Review status: no assertion criteria provided. Collection method: clinical testing. Allele origin: unknown. Not counted in ClinVar's aggregate classification.

Clinical Biochemistry Laboratory, Health Services Laboratory
Classification: Pathogenic for Primary hyperoxaluria, type II. Last evaluated: 2014-11-27. Review status: no assertion criteria provided. Collection method: research. Allele origin: germline. Affected: yes. Not counted in ClinVar's aggregate classification.

Literature cited by the submitters: PubMed 25644115 (cited by Labcorp Genetics (formerly Invitae), Labcorp); PubMed 14635115 (cited by 4 submitters); PubMed 24116921 (cited by Women's Health and Genetics/Laboratory Corporation of America, LabCorp); PubMed 16306119 (cited by Women's Health and Genetics/Laboratory Corporation of America, LabCorp and Counsyl); PubMed 11477177 (cited by Counsyl).

NM_012203.2(GRHPR):c.608_609del (p.Pro203fs)

Gene: GRHPR (glyoxylate and hydroxypyruvate reductase; plus strand). Cytogenetic location: 9p13.2.
Variant type: Deletion.
Coding change: c.608_609del on transcript NM_012203.2 (MANE Select); coding-DNA positions 608 to 609, 2 bases deleted (CT; older notation c.608_609delCT).
Protein change: p.Pro203fs; shifts the reading frame from proline 203.
Molecular consequence: frameshift variant.
Genome position (GRCh38, 1-based): chr9:37,430,520-37,430,521, CT deleted. VCF-style (leftmost placement, unchanged base first): chr9-37430519-CCT-C. GRCh37 (hg19) VCF-style: chr9-37430516-CCT-C.
Other names: c.608_609del (NM_012203.1); c.608_609delCT (NM_012203.2); short protein forms P203fs.
Identifiers: ClinVar variation 204252 (VCV000204252.19), dbSNP rs180177316, ClinGen allele CA275911.
Genomic context (GRCh38, chr9:37,430,519, plus strand): 5'-GGTTGTCCCTAGCCTGGGACTCAGTGCCTGATGGAGTCCTGCCCTCCCTCAGTGTCTACC[CCT>C]GAGCTGGCTGCCCAATCTGATTTCATCGTCGTGGCCTGCTCCTTAACACCTGCAACCGAG-3'